The following is an entry in ClinVar:

ClinVar aggregate classification (germline): Conflicting classifications of pathogenicity. Review status: criteria provided, conflicting classifications (1 of 4 stars). 3 submissions from 3 submitters: Uncertain significance (1); Likely benign (1). 1 of the submissions does not count toward it. Last evaluated 2023-11-27.

Conditions:
SOX9-related disorder. Also called: SOX9-related condition.
Camptomelic dysplasia (CMPD). Also called: Campomelic Dysplasia; CMPD1/SRA1. Identifiers: Orphanet 140, MedGen C1861922, MONDO:0007251, OMIM 114290.

Allele frequency attached by ClinVar (database versions not stated): gnomAD exomes below 0.00001 and 0.00003; ExAC 0.00002; TOPMed 0.00002; gnomAD 0.00003 and 0.00004; ESP Exome Variant Server 0.00008.
gnomAD v4.1: 48 of 1,613,098 alleles (0.003%); highest among the groups gnomAD compares: Non-Finnish European, 0.0037%; no homozygotes.

Submissions (3):

Labcorp Genetics (formerly Invitae), Labcorp
Classification: Likely benign for Camptomelic dysplasia. Last evaluated: 2023-11-27. Review status: criteria provided, single submitter. Criteria: Invitae Variant Classification Sherloc (09022015). Collection method: clinical testing. Allele origin: germline.

Eurofins Ntd Llc (ga)
Classification: Uncertain significance. Last evaluated: 2016-04-27. Review status: criteria provided, single submitter. Criteria: EGL Classification Definitions 2015. Collection method: clinical testing. Allele origin: germline. Observed: 1 variant allele, 1 heterozygote.

PreventionGenetics, part of Exact Sciences
Classification: Likely benign for SOX9-related condition. Last evaluated: 2019-07-23. Review status: no assertion criteria provided. Collection method: clinical testing. Allele origin: germline. Not counted in ClinVar's aggregate classification.
Comment: This variant is classified as likely benign based on ACMG/AMP sequence variant interpretation guidelines (Richards et al. 2015 PMID: 25741868, with internal and published modifications).

NM_000346.4(SOX9):c.918G>A (p.Val306=)

Gene: SOX9 (SRY-box transcription factor 9; plus strand). Cytogenetic location: 17q24.3.
Variant type: single nucleotide variant.
Coding change: c.918G>A on transcript NM_000346.4 (MANE Select); coding-DNA position 918, G replaced by A.
Protein change: p.Val306=; no amino-acid change (valine 306 retained).
Molecular consequence: synonymous variant.
Genome position (GRCh38, 1-based): chr17:72,123,775, G>A. VCF-style: chr17-72123775-G-A. GRCh37 (hg19) VCF-style: chr17-70119916-G-A.
Other names: c.918G>A (NM_000346.3).
Identifiers: ClinVar variation 287275 (VCV000287275.10), dbSNP rs367966473, ClinGen allele CA8739048.